The following is an entry in ClinVar:

ClinVar aggregate classification (germline): Uncertain significance. Review status: criteria provided, multiple submitters, no conflicts (2 of 4 stars). 3 submissions from 3 submitters: Uncertain significance (3). Last evaluated 2025-08-24.

Conditions:
Brugada syndrome 4 (BRGDA4). Identifiers: Orphanet 130, MedGen C2678477, MONDO:0012743, OMIM 611876.
Cardiovascular phenotype. Identifiers: MedGen CN230736.

Allele frequency attached by ClinVar (database versions not stated): gnomAD exomes below 0.00001 and 0.00001; gnomAD 0.00001; ExAC 0.00002; TOPMed 0.00002.

Submissions (3):

Ambry Genetics
Classification: Uncertain significance for Cardiovascular phenotype. Last evaluated: 2025-08-24. Review status: criteria provided, single submitter. Criteria: Ambry Variant Classification Scheme 2023. Collection method: clinical testing. Allele origin: germline.
Comment: The p.V367I variant (also known as c.1099G>A), located in coding exon 11 of the CACNB2 gene, results from a G to A substitution at nucleotide position 1099. The valine at codon 367 is replaced by isoleucine, an amino acid with highly similar properties. This amino acid position is highly conserved in available vertebrate species. In addition, this alteration is predicted to be tolerated by in silico analysis. Since supporting evidence is limited at this time, the clinical significance of this alteration remains unclear.

Blueprint Genetics
Classification: Uncertain significance. Last evaluated: 2024-01-29. Review status: criteria provided, single submitter. Criteria: ACMG Guidelines, 2015. Collection method: clinical testing. Allele origin: germline.

Labcorp Genetics (formerly Invitae), Labcorp
Classification: Uncertain significance for Brugada syndrome 4. Last evaluated: 2022-07-15. Review status: criteria provided, single submitter. Criteria: Invitae Variant Classification Sherloc (09022015). Collection method: clinical testing. Allele origin: germline.
Comment: In summary, the available evidence is currently insufficient to determine the role of this variant in disease. Therefore, it has been classified as a Variant of Uncertain Significance. Algorithms developed to predict the effect of missense changes on protein structure and function (SIFT, PolyPhen-2, Align-GVGD) all suggest that this variant is likely to be disruptive. ClinVar contains an entry for this variant (Variation ID: 299561). This variant has not been reported in the literature in individuals affected with CACNB2-related conditions. This variant is present in population databases (rs745337273, gnomAD 0.002%). This sequence change replaces valine, which is neutral and non-polar, with isoleucine, which is neutral and non-polar, at codon 367 of the CACNB2 protein (p.Val367Ile).

NM_201596.3(CACNB2):c.1261G>A (p.Val421Ile)

Gene: CACNB2 (calcium voltage-gated channel auxiliary subunit beta 2; plus strand). Cytogenetic location: 10p12.31.
Variant type: single nucleotide variant.
Coding change: c.1261G>A on transcript NM_201596.3 (MANE Select); coding-DNA position 1261, G replaced by A.
Protein change: p.Val421Ile; replaces valine 421 with isoleucine.
Molecular consequence: missense variant.
Genome position (GRCh38, 1-based): chr10:18,536,155, G>A. VCF-style: chr10-18536155-G-A. GRCh37 (hg19) VCF-style: chr10-18825084-G-A.
Other names: c.1096G>A, p.Val366Ile (NM_000724.4); c.1063G>A, p.Val355Ile (NM_001167945.2); c.982G>A, p.Val328Ile (NM_001330060.2); c.1117G>A, p.Val373Ile (NM_201570.3); c.1177G>A, p.Val393Ile (NM_201571.4); c.1105G>A, p.Val369Ile (NM_201572.4); c.1099G>A, p.Val367Ile (NM_201590.3); c.1147G>A, p.Val383Ile (NM_201593.3); and 1 more; short protein forms V421I, V367I, V366I, V383I, V397I, V328I, V355I, V393I.
Identifiers: ClinVar variation 299561 (VCV000299561.14), dbSNP rs745337273, ClinGen allele CA5429956.